The following is an entry in ClinVar:

NM_002185.5(IL7R):c.*1326A>G

Gene: IL7R (interleukin 7 receptor; plus strand). Cytogenetic location: 5p13.2.
Variant type: single nucleotide variant.
Coding change: c.*1326A>G on transcript NM_002185.5 (MANE Select); 1326 bases downstream of the stop codon, A replaced by G.
Molecular consequence: 3 prime UTR variant. On other transcripts: non-coding transcript variant (1).
Genome position (GRCh38, 1-based): chr5:35,877,812, A>G. VCF-style: chr5-35877812-A-G. GRCh37 (hg19) VCF-style: chr5-35877914-A-G.
Identifiers: ClinVar variation 353290 (VCV000353290.6), dbSNP rs10491434, ClinGen allele CA10624541.

ClinVar aggregate classification (germline): Benign. Review status: criteria provided, multiple submitters, no conflicts (2 of 4 stars). 2 submissions from 2 submitters: Benign (2). Last evaluated 2018-01-12.

Conditions:
Immunodeficiency 104. Also called: SCID, AUTOSOMAL RECESSIVE, T CELL-NEGATIVE, B CELL-POSITIVE, NK CELL-POSITIVE; Severe Combined Immune Deficiency, Autosomal Recessive, TCell -Negative, B Cell-Positive, NK Cell-Positive, IL7R-Related; Severe combined immunodeficiency, autosomal recessive, T cell-negative, B cell-positive, NK cell-positive; IMMUNODEFICIENCY 104, SEVERE COMBINED. Identifiers: MedGen C5676890, MONDO:0012163, OMIM 608971.

Allele frequency attached by ClinVar (database versions not stated): gnomAD exomes 0.24633; 1000 Genomes Project 0.26458; 1000 Genomes Project 30x 0.27311; gnomAD 0.30997 and 0.31937; TOPMed 0.31233.
gnomAD v4.1: 67,196 of 232,966 alleles (29%); highest among the groups gnomAD compares: African/African-American, 46%; 10,886 homozygotes.

Submissions (2):

Illumina Laboratory Services, Illumina
Classification: Benign for Immunodeficiency 104. Last evaluated: 2018-01-12. Review status: criteria provided, single submitter. Criteria: ICSL Variant Classification Criteria 13 December 2019. Collection method: clinical testing. Allele origin: germline.
Comment: This variant was observed in the ICSL laboratory as part of a predisposition screen in an ostensibly healthy population. It had not been previously curated by ICSL or reported in the Human Gene Mutation Database (HGMD: prior to June 1st, 2018), and was therefore a candidate for classification through an automated scoring system. Utilizing variant allele frequency, disease prevalence and penetrance estimates, and inheritance mode, an automated score was calculated to assess if this variant is too frequent to cause the disease. Based on the score and internal cut-off values, a variant classified as benign is not then subjected to further curation. The score for this variant resulted in a classification of benign for this disease.

Breakthrough Genomics
Classification: Benign. Review status: criteria provided, single submitter. Criteria: ACMG Guidelines, 2015. Collection method: not provided. Allele origin: germline. Inheritance: Autosomal recessive inheritance. Affected: yes.